The following is an entry in ClinVar:

NM_001394062.1(MACF1):c.3356C>G (p.Ser1119Cys)

Gene: MACF1 (microtubule actin crosslinking factor 1; plus strand). Cytogenetic location: 1p34.3.
Variant type: single nucleotide variant.
Coding change: c.3356C>G on transcript NM_001394062.1 (MANE Select); coding-DNA position 3356, C replaced by G.
Protein change: p.Ser1119Cys; replaces serine 1119 with cysteine.
Molecular consequence: missense variant.
Genome position (GRCh38, 1-based): chr1:39,315,598, C>G. VCF-style: chr1-39315598-C-G. GRCh37 (hg19) VCF-style: chr1-39781270-C-G.
Other names: c.3371C>G, p.Ser1124Cys (NM_012090.5); short protein forms S1119C, S1124C.
Identifiers: ClinVar variation 2868016 (VCV002868016.4), dbSNP rs1035300774, ClinGen allele CA20936348.

ClinVar aggregate classification (germline): Conflicting classifications of pathogenicity. Review status: criteria provided, conflicting classifications (1 of 4 stars). 2 submissions from 2 submitters: Uncertain significance (1); Likely benign (1). Last evaluated 2026-08-06.

Conditions:
Lissencephaly 9 with complex brainstem malformation. Identifiers: Orphanet 572013, MedGen C5193029, MONDO:0032677, OMIM 618325.

Allele frequency attached by ClinVar (database versions not stated): TOPMed below 0.00001.
gnomAD v4.1: 2 of 1,614,128 alleles (0.00012%); highest among the groups gnomAD compares: Admixed American, 0.0017%; no homozygotes.

Submissions (2):

OLLIN Analises Genomicas, OLLIN
Classification: Uncertain significance for Lissencephaly 9 with complex brainstem malformation. Last evaluated: 2026-08-06. Review status: criteria provided, single submitter. Criteria: ACMG Guidelines 2015 PMID 25741868. Collection method: clinical testing. Allele origin: germline. Inheritance: Autosomal dominant inheritance.
Comment: This missense variant, located in exon 27 (of 101), has been reported in ClinVar (accession VCV002868016.3) and in gnomAD with an allele frequency of 0.00012%. However, to our knowledge, it has not been reported in the scientific literature. In silico analysis predicts that this variant has a tolerated effect. According to the currently available evidence, this variant has been classified as uncertain significance (PM2_P, BP4).

Labcorp Genetics (formerly Invitae), Labcorp
Classification: Likely benign. Last evaluated: 2024-10-29. Review status: criteria provided, single submitter. Criteria: Invitae Variant Classification Sherloc (09022015). Collection method: clinical testing. Allele origin: germline.